The following is an entry in ClinVar:

NM_001286577.2(C2CD3):c.6920A>C (p.Gln2307Pro)

Gene: C2CD3 (C2 domain containing 3 centriole elongation regulator; minus strand). Cytogenetic location: 11q13.4.
Variant type: single nucleotide variant.
Coding change: c.6920A>C on transcript NM_001286577.2 (MANE Select); coding-DNA position 6920, A replaced by C.
Protein change: p.Gln2307Pro; replaces glutamine 2307 with proline.
Molecular consequence: missense variant.
Genome position (GRCh38, 1-based): chr11:74,028,288, T>G on the plus strand (A>C on the coding strand, the complement: C2CD3 is on the minus strand). VCF-style: chr11-74028288-T-G. GRCh37 (hg19) VCF-style: chr11-73739333-T-G.
Other names: short protein forms Q2307P.
Identifiers: ClinVar variation 2416433 (VCV002416433.6), dbSNP rs913920515, ClinGen allele CA224499045.

ClinVar aggregate classification (germline): Uncertain significance (1 of 4 stars; one submission).

gnomAD v4.1: 6 of 1,533,836 alleles (0.00039%); highest among the groups gnomAD compares: African/African-American, 0.0082%; no homozygotes.

Submission:

Labcorp Genetics (formerly Invitae), Labcorp
Classification: Uncertain significance. Last evaluated: 2022-07-26. Review status: criteria provided, single submitter. Criteria: Invitae Variant Classification Sherloc (09022015). Collection method: clinical testing. Allele origin: germline.
Comment: The C2CD3 gene has multiple clinically relevant transcripts. This variant occurs in alternate transcript NM_001286577.1, and corresponds to NM_015531.5:c.*6310A>C in the primary transcript. In summary, the available evidence is currently insufficient to determine the role of this variant in disease. Therefore, it has been classified as a Variant of Uncertain Significance. Algorithms developed to predict the effect of sequence changes on RNA splicing suggest that this variant is not likely to affect RNA splicing. This variant has not been reported in the literature in individuals affected with C2CD3-related conditions. This variant is present in population databases (no rsID available, gnomAD 0.01%). This sequence change replaces glutamine, which is neutral and polar, with proline, which is neutral and non-polar, at codon 2307 of the C2CD3 protein (p.Gln2307Pro).